The following is an entry in ClinVar:

NM_001131016.2(CIZ1):c.36_56del (p.6QQQQLQQ[1])

Gene: CIZ1 (CDKN1A interacting zinc finger protein 1; minus strand). Cytogenetic location: 9q34.11.
Variant type: Deletion.
Coding change: c.36_56del on transcript NM_001131016.2 (MANE Select); coding-DNA positions 36 to 56, 21 bases deleted (ACAGCAGCAGCAGCTCCAGCA).
Protein change: p.6QQQQLQQ[1].
Molecular consequence: inframe deletion. On other transcripts: 5 prime UTR variant (1).
Genome position (GRCh38, 1-based): chr9:128,190,802-128,190,822, TGCTGGAGCTGCTGCTGCTGT deleted on the plus strand (ACAGCAGCAGCAGCTCCAGCA on the coding strand, the reverse complement: CIZ1 is on the minus strand); deleting any 21 consecutive bases within chr9:128,190,802-128,190,842 gives the same sequence; the c. name uses the placement nearest the transcript's 3' end. VCF-style (leftmost placement, unchanged base first): chr9-128190801-CTGCTGGAGCTGCTGCTGCTGT-C. GRCh37 (hg19) VCF-style: chr9-130953080-CTGCTGGAGCTGCTGCTGCTGT-C.
Other names: c.36_56del, p.6QQQQLQQ[1] (NM_001131015.2, NM_001131017.2, NM_001131018.2 and 1 more transcripts); c.126_146del, p.36QQQQLQQ[1] (NM_001257975.2); c.-152_-132del (NM_001257976.2).
Identifiers: ClinVar variation 650568 (VCV000650568.6), dbSNP rs761734002, ClinGen allele CA5257690.

ClinVar aggregate classification (germline): Uncertain significance (1 of 4 stars; one submission).

Conditions:
Dystonic disorder. Also called: Dystonia. Identifiers: MedGen C0013421, MONDO:0003441, HP:0001332.

Submission:

Labcorp Genetics (formerly Invitae), Labcorp
Classification: Uncertain significance for Dystonic disorder. Last evaluated: 2026-02-02. Review status: criteria provided, single submitter. Criteria: Invitae Variant Classification Sherloc (09022015). Collection method: clinical testing. Allele origin: germline.
Comment: This variant, c.36_56del, results in the deletion of 7 amino acid(s) of the CIZ1 protein (p.Gln13_Gln19del), but otherwise preserves the integrity of the reading frame. The frequency data for this variant in the population databases is considered unreliable, as metrics indicate poor data quality at this position in the gnomAD database. This variant has not been reported in the literature in individuals affected with CIZ1-related conditions. ClinVar contains an entry for this variant (Variation ID: 650568). Experimental studies and prediction algorithms are not available or were not evaluated, and the functional significance of this variant is currently unknown. In summary, the available evidence is currently insufficient to determine the role of this variant in disease. Therefore, it has been classified as a Variant of Uncertain Significance.